The following is an entry in ClinVar:

NM_001276270.2(MBD4):c.697G>A (p.Gly233Arg)

Gene: MBD4 (methyl-CpG binding domain 4, DNA glycosylase; minus strand). Cytogenetic location: 3q21.3.
Variant type: single nucleotide variant.
Coding change: c.697G>A on transcript NM_001276270.2 (MANE Select); coding-DNA position 697, G replaced by A.
Protein change: p.Gly233Arg; replaces glycine 233 with arginine.
Molecular consequence: missense variant. On other transcripts: intron variant (1).
Genome position (GRCh38, 1-based): chr3:129,436,947, C>T on the plus strand (G>A on the coding strand, the complement: MBD4 is on the minus strand). VCF-style: chr3-129436947-C-T. GRCh37 (hg19) VCF-style: chr3-129155790-C-T.
Other names: c.697G>A, p.Gly233Arg (NM_001276271.2, NM_001276272.2, NM_003925.3); c.247+861G>A (NM_001276273.2); short protein forms G233R.
Identifiers: ClinVar variation 2752898 (VCV002752898.4), dbSNP rs753595466, ClinGen allele CA2605482.

ClinVar aggregate classification (germline): Conflicting classifications of pathogenicity. Review status: criteria provided, conflicting classifications (1 of 4 stars). 2 submissions from 2 submitters: Uncertain significance (1); Likely benign (1). Last evaluated 2025-10-23.

Conditions:
Inborn genetic diseases. Identifiers: MedGen C0950123, MeSH D030342.

Allele frequency attached by ClinVar (database versions not stated): gnomAD 0.00001; gnomAD exomes 0.00001; TOPMed below 0.00001; ExAC 0.00001.
gnomAD v4.1: 6 of 1,614,018 alleles (0.00037%); highest among the groups gnomAD compares: Admixed American, 0.0083%; no homozygotes.

Submissions (2):

Labcorp Genetics (formerly Invitae), Labcorp
Classification: Uncertain significance. Last evaluated: 2025-10-23. Review status: criteria provided, single submitter. Criteria: Invitae Variant Classification Sherloc (09022015). Collection method: clinical testing. Allele origin: germline.
Comment: This sequence change replaces glycine, which is neutral and non-polar, with arginine, which is basic and polar, at codon 233 of the MBD4 protein (p.Gly233Arg). This variant is present in population databases (rs753595466, gnomAD 0.01%). This variant has not been reported in the literature in individuals affected with MBD4-related conditions. ClinVar contains an entry for this variant (Variation ID: 2752898). An algorithm developed to predict the effect of missense changes on protein structure and function outputs the following: PolyPhen-2: "Benign". The arginine amino acid residue is found in multiple mammalian species, which suggests that this missense change does not adversely affect protein function. In summary, the available evidence is currently insufficient to determine the role of this variant in disease. Therefore, it has been classified as a Variant of Uncertain Significance.

Ambry Genetics
Classification: Likely benign for Inborn genetic diseases. Last evaluated: 2025-04-06. Review status: criteria provided, single submitter. Criteria: Ambry Variant Classification Scheme 2023. Collection method: clinical testing. Allele origin: germline.